The following is an entry in ClinVar:

ClinVar aggregate classification (germline): Uncertain significance (1 of 4 stars; one submission).

Conditions:
Gorlin syndrome. Also called: Nevoid Basal Cell Carcinoma Syndrome; Basal cell nevus syndrome. Identifiers: Orphanet 377, MedGen C0004779, MONDO:0007187.
Medulloblastoma (MDB). Also called: Medulloblastoma, somatic; MEDULLOBLASTOMA PREDISPOSITION SYNDROME. Identifiers: Orphanet 616, MedGen C0025149, MeSH D008527, MONDO:0007959, OMIM 155255, HP:0002885.

Submission:

Labcorp Genetics (formerly Invitae), Labcorp
Classification: Uncertain significance for Gorlin syndrome; Medulloblastoma. Last evaluated: 2022-05-14. Review status: criteria provided, single submitter. Criteria: Invitae Variant Classification Sherloc (09022015). Collection method: clinical testing. Allele origin: germline.
Comment: This sequence change replaces glycine, which is neutral and non-polar, with aspartic acid, which is acidic and polar, at codon 268 of the SUFU protein (p.Gly268Asp). This variant is not present in population databases (gnomAD no frequency). This variant has not been reported in the literature in individuals affected with SUFU-related conditions. Algorithms developed to predict the effect of missense changes on protein structure and function (SIFT, PolyPhen-2, Align-GVGD) all suggest that this variant is likely to be disruptive. In summary, the available evidence is currently insufficient to determine the role of this variant in disease. Therefore, it has been classified as a Variant of Uncertain Significance.

NM_016169.4(SUFU):c.803G>A (p.Gly268Asp)

Gene: SUFU (SUFU negative regulator of hedgehog signaling; plus strand). Cytogenetic location: 10q24.32.
Variant type: single nucleotide variant.
Coding change: c.803G>A on transcript NM_016169.4 (MANE Select); coding-DNA position 803, G replaced by A.
Protein change: p.Gly268Asp; replaces glycine 268 with aspartic acid.
Molecular consequence: missense variant.
Genome position (GRCh38, 1-based): chr10:102,597,186, G>A. VCF-style: chr10-102597186-G-A. GRCh37 (hg19) VCF-style: chr10-104356943-G-A.
Other names: c.803G>A, p.Gly268Asp (NM_001178133.2); short protein forms G268D.
Identifiers: ClinVar variation 2085346 (VCV002085346.4), dbSNP rs2545094125, ClinGen allele CA377910414.